The following is an entry in ClinVar:

NM_020928.2(ZSWIM6):c.3452A>G (p.Asn1151Ser)

Gene: ZSWIM6 (zinc finger SWIM-type containing 6; plus strand). Cytogenetic location: 5q12.1.
Variant type: single nucleotide variant.
Coding change: c.3452A>G on transcript NM_020928.2 (MANE Select); coding-DNA position 3452, A replaced by G.
Protein change: p.Asn1151Ser; replaces asparagine 1151 with serine.
Molecular consequence: missense variant.
Genome position (GRCh38, 1-based): chr5:61,544,121, A>G. VCF-style: chr5-61544121-A-G. GRCh37 (hg19) VCF-style: chr5-60839948-A-G.
Other names: short protein forms N1151S.
Identifiers: ClinVar variation 4886737 (VCV004886737.2).

ClinVar aggregate classification (germline): Uncertain significance (1 of 4 stars; one submission).

gnomAD v4.1: 3 of 1,551,842 alleles (0.00019%); highest among the groups gnomAD compares: Non-Finnish European, 0.00026%; no homozygotes.

Submission:

Dasa
Classification: Uncertain significance. Last evaluated: 2025-07-23. Review status: criteria provided, single submitter. Criteria: DASA Assertion Criteria. Collection method: clinical testing. Allele origin: germline.
Comment: NM_020928.2(ZSWIM6):c.3452A>G (p.Asn1151Ser) is a missense variant that results in the substitution of asparagine with serine. This variant is rare in population databases. Computational prediction algorithms are consistent with a benign effect. The currently available literature and clinical evidence are not sufficient to establish a definitive association between this variant and the reported condition. Therefore, this variant is classified as a variant of uncertain significance.